The following is an entry in ClinVar:

NM_025074.7(FRAS1):c.10790C>G (p.Ala3597Gly)

Gene: FRAS1 (Fraser extracellular matrix complex subunit 1; plus strand). Cytogenetic location: 4q21.21.
Variant type: single nucleotide variant.
Coding change: c.10790C>G on transcript NM_025074.7 (MANE Select); coding-DNA position 10790, C replaced by G.
Protein change: p.Ala3597Gly; replaces alanine 3597 with glycine.
Molecular consequence: missense variant.
Genome position (GRCh38, 1-based): chr4:78,522,790, C>G. VCF-style: chr4-78522790-C-G. GRCh37 (hg19) VCF-style: chr4-79443944-C-G.
Other names: c.10790C>G (NM_025074.6); short protein forms A3597G.
Identifiers: ClinVar variation 1944250 (VCV001944250.6), dbSNP rs1721426908, ClinGen allele CA357391660.

ClinVar aggregate classification (germline): Uncertain significance. Review status: criteria provided, multiple submitters, no conflicts (2 of 4 stars). 2 submissions from 2 submitters: Uncertain significance (2). Last evaluated 2025-07-14.

Conditions:
Inborn genetic diseases. Identifiers: MedGen C0950123, MeSH D030342.

Allele frequency attached by ClinVar (database versions not stated): gnomAD exomes 0.00001; TOPMed 0.00001.
gnomAD v4.1: 3 of 1,610,416 alleles (0.00019%); highest among the groups gnomAD compares: Admixed American, 0.005%; no homozygotes.

Submissions (2):

Ambry Genetics
Classification: Uncertain significance for Inborn genetic diseases. Last evaluated: 2025-07-14. Review status: criteria provided, single submitter. Criteria: Ambry Variant Classification Scheme 2023. Collection method: clinical testing. Allele origin: germline.

Labcorp Genetics (formerly Invitae), Labcorp
Classification: Uncertain significance. Last evaluated: 2022-07-25. Review status: criteria provided, single submitter. Criteria: Invitae Variant Classification Sherloc (09022015). Collection method: clinical testing. Allele origin: germline.
Comment: In summary, the available evidence is currently insufficient to determine the role of this variant in disease. Therefore, it has been classified as a Variant of Uncertain Significance. Algorithms developed to predict the effect of missense changes on protein structure and function (SIFT, PolyPhen-2, Align-GVGD) all suggest that this variant is likely to be disruptive. This variant has not been reported in the literature in individuals affected with FRAS1-related conditions. This variant is not present in population databases (gnomAD no frequency). This sequence change replaces alanine, which is neutral and non-polar, with glycine, which is neutral and non-polar, at codon 3597 of the FRAS1 protein (p.Ala3597Gly).